The following is an entry in ClinVar:

NM_183050.4(BCKDHB):c.1165A>C (p.Met389Leu)

Gene: BCKDHB (branched chain keto acid dehydrogenase E1 subunit beta; plus strand). Cytogenetic location: 6q14.1.
Variant type: single nucleotide variant.
Coding change: c.1165A>C on transcript NM_183050.4 (MANE Select); coding-DNA position 1165, A replaced by C.
Protein change: p.Met389Leu; replaces methionine 389 with leucine.
Molecular consequence: missense variant. On other transcripts: 3 prime UTR variant (1), non-coding transcript variant (4), intron variant (2).
Genome position (GRCh38, 1-based): chr6:80,343,790, A>C. VCF-style: chr6-80343790-A-C. GRCh37 (hg19) VCF-style: chr6-81053507-A-C.
Other names: c.1165A>C, p.Met389Leu (NM_000056.5, NM_001424036.1); c.955A>C, p.Met319Leu (NM_001318975.1, NM_001424043.1); c.*171A>C (NM_001424039.1); c.1038+70569A>C (NM_001424037.1); c.1039-10463A>C (NM_001424035.1); short protein forms M319L, M389L.
Identifiers: ClinVar variation 2691620 (VCV002691620.1), dbSNP rs781386085, ClinGen allele CA365021630.

ClinVar aggregate classification (germline): Uncertain significance (1 of 4 stars; one submission).

Submission:

Women's Health and Genetics/Laboratory Corporation of America, LabCorp
Classification: Uncertain significance. Last evaluated: 2023-12-01. Review status: criteria provided, single submitter. Criteria: LabCorp Variant Classification Summary - May 2015. Collection method: clinical testing. Allele origin: germline.
Comment: Variant summary: BCKDHB c.1165A>C (p.Met389Leu) results in a conservative amino acid change in the encoded protein sequence. Four of five in-silico tools predict a benign effect of the variant on protein function. The variant was absent in 251316 control chromosomes (gnomAD). The available data on variant occurrences in the general population are insufficient to allow any conclusion about variant significance. To our knowledge, no occurrence of c.1165A>C in individuals affected with Maple Syrup Urine Disease Type 1B and no experimental evidence demonstrating its impact on protein function have been reported. No submitters have cited clinical-significance assessments for this variant to ClinVar after 2014. Based on the evidence outlined above, the variant was classified as uncertain significance.